The following is an entry in ClinVar:

NM_006214.4(PHYH):c.522_523delinsT (p.His175fs)

Gene: PHYH (phytanoyl-CoA 2-hydroxylase; minus strand). Cytogenetic location: 10p13.
Variant type: Indel.
Coding change: c.522_523delinsT on transcript NM_006214.4 (MANE Select); coding-DNA positions 522 to 523, GC replaced by T.
Protein change: p.His175fs; shifts the reading frame from histidine 175.
Molecular consequence: frameshift variant. On other transcripts: intron variant (1).
Genome position (GRCh38, 1-based): chr10:13,288,515-13,288,516, GC replaced by A on the plus strand (GC replaced by T on the coding strand, the reverse complement: PHYH is on the minus strand). VCF-style: chr10-13288515-GC-A. GRCh37 (hg19) VCF-style: chr10-13330515-GC-A.
Other names: c.222_223delinsT, p.His75fs (NM_001037537.2, NM_001323080.2); c.528_529delinsT, p.His177fs (NM_001323082.2); c.228_229delinsT, p.His77fs (NM_001323084.2); c.415-4677_415-4676delinsT (NM_001323083.2); short protein forms H175fs, H177fs, H75fs, H77fs.
Identifiers: ClinVar variation 5015492 (VCV005015492.1).

ClinVar aggregate classification (germline): Pathogenic (1 of 4 stars; one submission).

Conditions:
Refsum disease, classic. Also called: HEREDOPATHIA ATACTICA POLYNEURITIFORMIS; HMSN IV; PHYTANIC ACID OXIDASE DEFICIENCY; PHYH-Related Refsum Disease. Identifiers: Orphanet 773, MedGen C5780941, MONDO:1060256, OMIM 266500. Disease mechanism: loss of function.

Submission:

Myriad Genetics, Inc.
Classification: Pathogenic for Refsum disease, classic. Last evaluated: 2024-05-14. Review status: criteria provided, single submitter. Criteria: Myriad Autosomal Dominant, Autosomal Recessive and X-Linked Classification Criteria (2023). Collection method: clinical testing. Allele origin: unknown.
Comment: NM_006214.3(PHYH):c.522_523delGCinsT(H175Tfs*43) is expected to be pathogenic in the context of Refsum disease, PHYH-related. This variant is predicted to lead to an abnormal or absent protein product due to the creation of a premature termination codon in PHYH, a gene where loss-of-function variants are known to be pathogenic. Please note: this variant was assessed in the context of healthy population screening.